The following is an entry in ClinVar:

ClinVar aggregate classification (germline): Uncertain significance (1 of 4 stars; one submission).

gnomAD v4.1: 4 of 1,603,478 alleles (0.00025%); highest among the groups gnomAD compares: East Asian, 0.0022%; no homozygotes.

Submission:

Women's Health and Genetics/Laboratory Corporation of America, LabCorp
Classification: Uncertain significance. Last evaluated: 2026-02-06. Review status: criteria provided, single submitter. Criteria: LabCorp Variant Classification Summary - May 2015. Collection method: clinical testing. Allele origin: germline.
Comment: Variant summary: JARID2 c.1300C>T (p.Arg434Trp) results in a non-conservative amino acid change in the encoded protein sequence. Algorithms developed to predict the effect of missense changes on protein structure and function all suggest that this variant is likely to be disruptive. The variant allele was found at a frequency of 8.6e-06 in 232882 control chromosomes. The available data on variant occurrences in the general population are insufficient to allow any conclusion about variant significance. To our knowledge, no occurrence of c.1300C>T in individuals affected with JARID2-related conditions and no experimental evidence demonstrating its impact on protein function have been reported. No submitters have cited clinical-significance assessments for this variant to ClinVar. Based on the evidence outlined above, the variant was classified as uncertain significance.

NM_004973.4(JARID2):c.1300C>T (p.Arg434Trp)

Gene: JARID2 (jumonji and AT-rich interaction domain containing 2; plus strand). Cytogenetic location: 6p22.3.
Variant type: single nucleotide variant.
Coding change: c.1300C>T on transcript NM_004973.4 (MANE Select); coding-DNA position 1300, C replaced by T.
Protein change: p.Arg434Trp; replaces arginine 434 with tryptophan.
Molecular consequence: missense variant.
Genome position (GRCh38, 1-based): chr6:15,496,525, C>T. VCF-style: chr6-15496525-C-T. GRCh37 (hg19) VCF-style: chr6-15496756-C-T.
Other names: c.784C>T, p.Arg262Trp (NM_001267040.1); short protein forms R262W, R434W.
Identifiers: ClinVar variation 4848000 (VCV004848000.1).